The following is an entry in ClinVar:

ClinVar aggregate classification (germline): Uncertain significance (1 of 4 stars; one submission).

Conditions:
Ataxia-telangiectasia syndrome (AT). Also called: LOUIS-BAR SYNDROME; Cerebello-oculocutaneous telangiectasia; Immunodeficiency with ataxia telangiectasia; Ataxia telangiectasia (A-T); Ataxia-telangiectasia, complementation group D; AT, COMPLEMENTATION GROUP C. Identifiers: Orphanet 100, MedGen C0004135, MONDO:0008840, OMIM 208900.

Submission:

Labcorp Genetics (formerly Invitae), Labcorp
Classification: Uncertain significance for Ataxia-telangiectasia syndrome. Last evaluated: 2025-08-03. Review status: criteria provided, single submitter. Criteria: Invitae Variant Classification Sherloc (09022015). Collection method: clinical testing. Allele origin: germline.
Comment: This sequence change replaces aspartic acid, which is acidic and polar, with tyrosine, which is neutral and polar, at codon 2214 of the ATM protein (p.Asp2214Tyr). This variant is not present in population databases (gnomAD no frequency). This variant has not been reported in the literature in individuals affected with ATM-related conditions. ClinVar contains an entry for this variant (Variation ID: 1506375). Invitae Evidence Modeling of protein sequence and biophysical properties (such as structural, functional, and spatial information, amino acid conservation, physicochemical variation, residue mobility, and thermodynamic stability) has been performed for this missense variant. However, the output from this modeling did not meet the statistical confidence thresholds required to predict the impact of this variant on ATM protein function. Algorithms developed to predict the effect of sequence changes on RNA splicing suggest that this variant may disrupt the consensus splice site. In summary, the available evidence is currently insufficient to determine the role of this variant in disease. Therefore, it has been classified as a Variant of Uncertain Significance.

NM_000051.4(ATM):c.6640G>T (p.Asp2214Tyr)

Genes: ATM (ATM serine/threonine kinase; plus strand), C11orf65 (chromosome 11 open reading frame 65; minus strand). Cytogenetic location: 11q22.3.
Variant type: single nucleotide variant.
Coding change: c.6640G>T on transcript NM_000051.4 (MANE Select); coding-DNA position 6640, G replaced by T.
Protein change: p.Asp2214Tyr; replaces aspartic acid 2214 with tyrosine.
Molecular consequence: missense variant. On other transcripts: intron variant (2).
Genome position (GRCh38, 1-based): chr11:108,325,377, G>T. VCF-style: chr11-108325377-G-T. GRCh37 (hg19) VCF-style: chr11-108196104-G-T.
Other names: c.6640G>T, p.Asp2214Tyr (NM_001351834.2); c.641-16306C>A (NM_001330368.2); c.*38+9843C>A (NM_001351110.2); short protein forms D2214Y.
Identifiers: ClinVar variation 1506375 (VCV001506375.7), dbSNP rs1433554922, ClinGen allele CA382554795.